The following is an entry in ClinVar:

NM_024513.4(FYCO1):c.869G>A (p.Arg290His)

Gene: FYCO1 (FYVE and coiled-coil domain autophagy adaptor 1; minus strand). Cytogenetic location: 3p21.31.
Variant type: single nucleotide variant.
Coding change: c.869G>A on transcript NM_024513.4 (MANE Select); coding-DNA position 869, G replaced by A.
Protein change: p.Arg290His; replaces arginine 290 with histidine.
Molecular consequence: missense variant.
Genome position (GRCh38, 1-based): chr3:45,968,465, C>T on the plus strand (G>A on the coding strand, the complement: FYCO1 is on the minus strand). VCF-style: chr3-45968465-C-T. GRCh37 (hg19) VCF-style: chr3-46009957-C-T.
Other names: c.869G>A (NM_024513.2); short protein forms R290H.
Identifiers: ClinVar variation 345532 (VCV000345532.35), dbSNP rs146311777, ClinGen allele CA2353355.
Genomic context (GRCh38, chr3:45,968,465, plus strand): 5'-TTCTGGGTGGCCTGGGTGACCTCCCACTGCTTCTGGAGCTCAGCTACCAAGCAAGTGAGG[C>T]GAACGTTGTCCTCCGCTGCAGTGCGCCCCCTCTCCCTCTCTGTCTGCAGTTGCTCCCCTT-3'
Protein context (NP_078789.2, residues 280-300): RGRTAAEDNV[Arg290His]LTCLVAELQK

ClinVar aggregate classification (germline): Conflicting classifications of pathogenicity. Review status: criteria provided, conflicting classifications (1 of 4 stars). 5 submissions from 5 submitters: Uncertain significance (1); Likely benign (3). 1 of the submissions does not count toward it. Last evaluated 2025-09-21.

Conditions:
FYCO1-related disorder. Also called: FYCO1-related condition.
Cataract 18 (CATC2). Also called: CATARACT 18, AUTOSOMAL RECESSIVE. Identifiers: Orphanet 91492, Orphanet 98991, Orphanet 98992, Orphanet 98995, MedGen C1864908, MONDO:0012395, OMIM 610019.
Inborn genetic diseases. Identifiers: MedGen C0950123, MeSH D030342.

Allele frequency attached by ClinVar (database versions not stated): 1000 Genomes Project 0.00220; 1000 Genomes Project 30x 0.00234; gnomAD 0.00238 and 0.00269; ExAC 0.00105; TOPMed 0.00261; ESP Exome Variant Server 0.00284.
gnomAD v4.1: 1,905 of 1,614,042 alleles (0.12%); highest among the groups gnomAD compares: African/African-American, 0.58%; 7 homozygotes.

Submissions (5):

Labcorp Genetics (formerly Invitae), Labcorp
Classification: Likely benign for Cataract 18. Last evaluated: 2025-09-21. Review status: criteria provided, single submitter. Criteria: Invitae Variant Classification Sherloc (09022015). Collection method: clinical testing. Allele origin: germline.

CeGaT Center for Human Genetics Tuebingen
Classification: Likely benign. Last evaluated: 2023-09-01. Review status: criteria provided, single submitter. Criteria: CeGaT Center For Human Genetics Tuebingen Variant Classification Criteria Version 2. Collection method: clinical testing. Allele origin: germline. Affected: yes. Observed: 1 variant allele.
Comment: FYCO1: BP4

Ambry Genetics
Classification: Uncertain significance for Inborn genetic diseases. Last evaluated: 2022-05-26. Review status: criteria provided, single submitter. Criteria: Ambry Variant Classification Scheme 2023. Collection method: clinical testing. Allele origin: germline.

Illumina Laboratory Services, Illumina
Classification: Likely benign for Cataract 18. Last evaluated: 2018-01-12. Review status: criteria provided, single submitter. Criteria: ICSL Variant Classification Criteria 13 December 2019. Collection method: clinical testing. Allele origin: germline.
Comment: This variant was observed in the ICSL laboratory as part of a predisposition screen in an ostensibly healthy population. It had not been previously curated by ICSL or reported in the Human Gene Mutation Database (HGMD: prior to June 1st, 2018), and was therefore a candidate for classification through an automated scoring system. Utilizing variant allele frequency, disease prevalence and penetrance estimates, and inheritance mode, an automated score was calculated to assess if this variant is too frequent to cause the disease. Based on the score and internal cut-off values, a variant classified as likely benign is not then subjected to further curation. The score for this variant resulted in a classification of likely benign for this disease.

PreventionGenetics, part of Exact Sciences
Classification: Likely benign for FYCO1-related condition. Last evaluated: 2019-10-17. Review status: no assertion criteria provided. Collection method: clinical testing. Allele origin: germline. Not counted in ClinVar's aggregate classification.
Comment: This variant is classified as likely benign based on ACMG/AMP sequence variant interpretation guidelines (Richards et al. 2015 PMID: 25741868, with internal and published modifications).